The following is an entry in ClinVar:

ClinVar aggregate classification (germline): Uncertain significance (1 of 4 stars; one submission).

Conditions:
Ataxia-telangiectasia syndrome (AT). Also called: Cerebello-oculocutaneous telangiectasia; Immunodeficiency with ataxia telangiectasia; Ataxia-telangiectasia, complementation group E; Ataxia-telangiectasia, complementation group D; AT, COMPLEMENTATION GROUP C; ATAXIA-TELANGIECTASIA, COMPLEMENTATION GROUP A. Identifiers: Orphanet 100, MedGen C0004135, MONDO:0008840, OMIM 208900.

Submission:

Labcorp Genetics (formerly Invitae), Labcorp
Classification: Uncertain significance for Ataxia-telangiectasia syndrome. Last evaluated: 2023-11-28. Review status: criteria provided, single submitter. Criteria: Invitae Variant Classification Sherloc (09022015). Collection method: clinical testing. Allele origin: germline.
Comment: This sequence change falls in intron 34 of the ATM gene. It does not directly change the encoded amino acid sequence of the ATM protein. This variant is not present in population databases (gnomAD no frequency). This variant has not been reported in the literature in individuals affected with ATM-related conditions. Algorithms developed to predict the effect of sequence changes on RNA splicing suggest that this variant may disrupt the consensus splice site. In summary, the available evidence is currently insufficient to determine the role of this variant in disease. Therefore, it has been classified as a Variant of Uncertain Significance.

NM_000051.4(ATM):c.5178-11_5178-9del

Gene: ATM (ATM serine/threonine kinase; plus strand). Cytogenetic location: 11q22.3.
Variant type: Deletion.
Coding change: c.5178-11_5178-9del on transcript NM_000051.4 (MANE Select); 11 bases into the intron before coding-DNA position 5178 through 9 bases into the intron before coding-DNA position 5178, 3 bases deleted (GTT; older notation c.5178-11_5178-9delGTT).
Molecular consequence: intron variant.
Genome position (GRCh38, 1-based): chr11:108,301,637-108,301,639, GTT deleted; deleting any 3 consecutive bases within chr11:108,301,635-108,301,639 gives the same sequence; the c. name uses the placement nearest the transcript's 3' end. VCF-style (leftmost placement, unchanged base first): chr11-108301634-ATTG-A. GRCh37 (hg19) VCF-style: chr11-108172361-ATTG-A.
Other names: c.5178-11_5178-9del (NM_001351834.2).
Identifiers: ClinVar variation 2731284 (VCV002731284.3), dbSNP rs2546972490, ClinGen allele CA2697558829.